The following is an entry in ClinVar:

ClinVar aggregate classification (germline): Pathogenic. Review status: criteria provided, single submitter (1 of 4 stars). 2 submissions from 2 submitters: Pathogenic (1). 1 of the submissions does not count toward it. Last evaluated 2023-09-06.

Conditions:
Charcot-Marie-Tooth disease axonal type 2F (CMT2F). Also called: CHARCOT-MARIE-TOOTH DISEASE, NEURONAL, TYPE 2F; Charcot-Marie-Tooth Neuropathy Type 2F. Identifiers: Orphanet 99940, MedGen C1847823, MONDO:0011687, OMIM 606595.

Allele frequency attached by ClinVar (database versions not stated): TOPMed below 0.00001; gnomAD 0.00001; gnomAD exomes 0.00001.

Submissions (2):

Labcorp Genetics (formerly Invitae), Labcorp
Classification: Pathogenic for Charcot-Marie-Tooth disease axonal type 2F. Last evaluated: 2023-09-06. Review status: criteria provided, single submitter. Criteria: Invitae Variant Classification Sherloc (09022015). Collection method: clinical testing. Allele origin: germline.
Comment: Advanced modeling of protein sequence and biophysical properties (such as structural, functional, and spatial information, amino acid conservation, physicochemical variation, residue mobility, and thermodynamic stability) performed at Invitae indicates that this missense variant is expected to disrupt HSPB1 protein function. This sequence change replaces arginine, which is basic and polar, with tryptophan, which is neutral and slightly polar, at codon 136 of the HSPB1 protein (p.Arg136Trp). This variant is present in population databases (rs28939681, gnomAD 0.0009%). This missense change has been observed in individual(s) with autosomal dominant Charcot-Marie-Tooth disease type 2 (PMID: 15122254). ClinVar contains an entry for this variant (Variation ID: 7482). Experimental studies have shown that this missense change affects HSPB1 function (PMID: 18344398, 20178975, 22031878, 22521462, 28797631). This variant disrupts the p.Arg136 amino acid residue in HSPB1. Other variant(s) that disrupt this residue have been determined to be pathogenic (PMID: 21611841, 22176143, 25547330). This suggests that this residue is clinically significant, and that variants that disrupt this residue are likely to be disease-causing. For these reasons, this variant has been classified as Pathogenic.

OMIM
Classification: Pathogenic for CHARCOT-MARIE-TOOTH DISEASE, AXONAL, TYPE 2F. Last evaluated: 2004-06-01. Review status: no assertion criteria provided. Collection method: literature only. Allele origin: germline. Not counted in ClinVar's aggregate classification.

Literature cited by the submitters: PubMed 15122254 (cited by Labcorp Genetics (formerly Invitae), Labcorp and OMIM); PubMed 18344398 (cited by Labcorp Genetics (formerly Invitae), Labcorp); PubMed 20178975 (cited by Labcorp Genetics (formerly Invitae), Labcorp); PubMed 22031878 (cited by Labcorp Genetics (formerly Invitae), Labcorp); PubMed 22521462 (cited by Labcorp Genetics (formerly Invitae), Labcorp); PubMed 28797631 (cited by Labcorp Genetics (formerly Invitae), Labcorp); PubMed 21611841 (cited by Labcorp Genetics (formerly Invitae), Labcorp); PubMed 22176143 (cited by Labcorp Genetics (formerly Invitae), Labcorp); PubMed 25547330 (cited by Labcorp Genetics (formerly Invitae), Labcorp).

NM_001540.5(HSPB1):c.406C>T (p.Arg136Trp)

Gene: HSPB1 (heat shock protein family B (small) member 1; plus strand). Cytogenetic location: 7q11.23.
Variant type: single nucleotide variant.
Coding change: c.406C>T on transcript NM_001540.5 (MANE Select); coding-DNA position 406, C replaced by T.
Protein change: p.Arg136Trp; replaces arginine 136 with tryptophan.
Molecular consequence: missense variant.
Genome position (GRCh38, 1-based): chr7:76,303,843, C>T. VCF-style: chr7-76303843-C-T. GRCh37 (hg19) VCF-style: chr7-75933160-C-T.
Other names: c.406C>T, p.Arg136Trp (LRG_248t1); short protein forms R136W.
Identifiers: ClinVar variation 7482 (VCV000007482.11), dbSNP rs28939681, ClinGen allele CA254190.